The following is an entry in ClinVar:

NM_004329.3(BMPR1A):c.533ATT[1] (p.Tyr179del)

Gene: BMPR1A (bone morphogenetic protein receptor type 1A; plus strand). Cytogenetic location: 10q23.2.
Variant type: Microsatellite.
Coding change: c.533ATT[1] on transcript NM_004329.3 (MANE Select); one copy of the 3-base unit ATT starting at c.533; the reference has two copies in a row; one copy, 3 bases deleted.
Protein change: p.Tyr179del; deletes tyrosine 179.
Molecular consequence: inframe deletion.
Genome position (GRCh38, 1-based): chr10:86,912,245-86,912,247, ATT deleted; deleting any 3 consecutive bases within chr10:86,912,242-86,912,247 gives the same sequence; the position shown is the placement nearest the transcript's 3' end. VCF-style (leftmost placement, unchanged base first): chr10-86912241-CATT-C. GRCh37 (hg19) VCF-style: chr10-88671998-CATT-C.
Other names: c.536_538delATT (NM_004329.2); short protein forms Y179del.
Identifiers: ClinVar variation 491006 (VCV000491006.13), dbSNP rs1389461805, ClinGen allele CA594896918.
Genomic context (GRCh38, chr10:86,912,241, plus strand): 5'-TTCTTAGGGTTTTATAGTTTTTCATTTTTAATGTAGATTGTTTTCTGCTTTTTTAAAAGA[CATT>C]ATTGCAAGAGCATCTCAAGCAGACGTCGTTACAATCGTGATTTGGAACAGGATGAAGCAT-3'

ClinVar aggregate classification (germline): Uncertain significance. Review status: criteria provided, multiple submitters, no conflicts (2 of 4 stars). 2 submissions from 2 submitters: Uncertain significance (2). Last evaluated 2023-07-14.

Conditions:
Juvenile polyposis syndrome (JPS). Identifiers: Orphanet 2929, MedGen C0345893, MONDO:0017380, OMIM 174900.
Hereditary cancer-predisposing syndrome. Also called: Tumor predisposition; Neoplastic Syndromes, Hereditary; Hereditary Cancer Syndrome; Hereditary neoplastic syndrome. Identifiers: Orphanet 140162, MedGen C0027672, MeSH D009386, MONDO:0015356.

Submissions (2):

Labcorp Genetics (formerly Invitae), Labcorp
Classification: Uncertain significance for Juvenile polyposis syndrome. Last evaluated: 2023-07-14. Review status: criteria provided, single submitter. Criteria: Invitae Variant Classification Sherloc (09022015). Collection method: clinical testing. Allele origin: germline.
Comment: In summary, the available evidence is currently insufficient to determine the role of this variant in disease. Therefore, it has been classified as a Variant of Uncertain Significance. This variant, c.536_538del, results in the deletion of 1 amino acid(s) of the BMPR1A protein (p.Tyr179del), but otherwise preserves the integrity of the reading frame. This variant is present in population databases (no rsID available, gnomAD 0.006%). This variant has not been reported in the literature in individuals affected with BMPR1A-related conditions. ClinVar contains an entry for this variant (Variation ID: 491006). Experimental studies and prediction algorithms are not available or were not evaluated, and the functional significance of this variant is currently unknown.

Color Diagnostics, LLC DBA Color Health
Classification: Uncertain significance for Hereditary cancer-predisposing syndrome. Last evaluated: 2018-09-22. Review status: criteria provided, single submitter. Criteria: ACMG Guidelines, 2015. Collection method: clinical testing. Allele origin: germline.